The following is an entry in ClinVar:

ClinVar aggregate classification (germline): Uncertain significance. Review status: criteria provided, multiple submitters, no conflicts (2 of 4 stars). 4 submissions from 4 submitters: Uncertain significance (4). Last evaluated 2025-07-13.

Conditions:
Glycogen storage disease, type VII (GSD7). Also called: PFKM DEFICIENCY; TARUI DISEASE; GSD VII; MUSCLE PHOSPHOFRUCTOKINASE DEFICIENCY. Identifiers: Orphanet 371, MedGen C0017926, MONDO:0009295, OMIM 232800.
Inborn genetic diseases. Identifiers: MedGen C0950123, MeSH D030342.

Allele frequency attached by ClinVar (database versions not stated): TOPMed 0.00001.
gnomAD v4.1: 11 of 1,614,146 alleles (0.00068%); highest among the groups gnomAD compares: Non-Finnish European, 0.00068%; no homozygotes.

Submissions (4):

Ambry Genetics
Classification: Uncertain significance for Inborn genetic diseases. Last evaluated: 2025-07-13. Review status: criteria provided, single submitter. Criteria: Ambry Variant Classification Scheme 2023. Collection method: clinical testing. Allele origin: germline.

Revvity Omics, Revvity
Classification: Uncertain significance for Glycogen storage disease, type VII. Last evaluated: 2024-06-25. Review status: criteria provided, single submitter. Criteria: ACMG Guidelines, 2015. Collection method: clinical testing. Allele origin: germline.

ARUP Laboratories, Molecular Genetics and Genomics, ARUP Laboratories
Classification: Uncertain significance for Glycogen storage disease, type VII. Last evaluated: 2024-02-21. Review status: criteria provided, single submitter. Criteria: ARUP Molecular Germline Variant Investigation Process 2024. Collection method: clinical testing. Allele origin: germline.

Labcorp Genetics (formerly Invitae), Labcorp
Classification: Uncertain significance for Glycogen storage disease, type VII. Last evaluated: 2020-07-28. Review status: criteria provided, single submitter. Criteria: Invitae Variant Classification Sherloc (09022015). Collection method: clinical testing. Allele origin: germline.
Comment: This sequence change replaces proline with leucine at codon 332 of the PFKM protein (p.Pro332Leu). The proline residue is highly conserved and there is a moderate physicochemical difference between proline and leucine. This variant is not present in population databases (ExAC no frequency). This variant has not been reported in the literature in individuals with PFKM-related disease. Algorithms developed to predict the effect of missense changes on protein structure and function are either unavailable or do not agree on the potential impact of this missense change (SIFT: "Tolerated"; PolyPhen-2: "Probably Damaging"; Align-GVGD: "Class C0"). In summary, the available evidence is currently insufficient to determine the role of this variant in disease. Therefore, it has been classified as a Variant of Uncertain Significance.

NM_000289.6(PFKM):c.995C>T (p.Pro332Leu)

Gene: PFKM (phosphofructokinase, muscle; plus strand). Cytogenetic location: 12q13.11.
Variant type: single nucleotide variant.
Coding change: c.995C>T on transcript NM_000289.6 (MANE Select); coding-DNA position 995, C replaced by T.
Protein change: p.Pro332Leu; replaces proline 332 with leucine.
Molecular consequence: missense variant. On other transcripts: non-coding transcript variant (6), intron variant (1).
Genome position (GRCh38, 1-based): chr12:48,137,779, C>T. VCF-style: chr12-48137779-C-T. GRCh37 (hg19) VCF-style: chr12-48531562-C-T.
Other names: c.995C>T (NM_000289.5); c.1208C>T, p.Pro403Leu (NM_001166686.2, NM_001354737.1, NM_001354738.1 and 1 more transcripts); c.995C>T, p.Pro332Leu (NM_001166687.2, NM_001166688.2, NM_001354742.2 and 2 more transcripts); c.1304C>T, p.Pro435Leu (NM_001354735.1, NM_001354736.1); c.1139C>T, p.Pro380Leu (NM_001354740.1); c.1019C>T, p.Pro340Leu (NM_001354741.2); c.908C>T, p.Pro303Leu (NM_001354745.2); c.845C>T, p.Pro282Leu (NM_001354747.2, NM_001354748.2); and 2 more; short protein forms P301L, P282L, P380L, P403L, P332L, P340L, P303L, P435L.
Identifiers: ClinVar variation 2199021 (VCV002199021.4), dbSNP rs1051224463, ClinGen allele CA236512687.